The following is an entry in ClinVar:

NM_000130.5(F5):c.623A>G (p.Asp208Gly)

Gene: F5 (coagulation factor V; minus strand). Cytogenetic location: 1q24.2.
Variant type: single nucleotide variant.
Coding change: c.623A>G on transcript NM_000130.5 (MANE Select); coding-DNA position 623, A replaced by G.
Protein change: p.Asp208Gly; replaces aspartic acid 208 with glycine.
Molecular consequence: missense variant.
Genome position (GRCh38, 1-based): chr1:169,559,260, T>C on the plus strand (A>G on the coding strand, the complement: F5 is on the minus strand). VCF-style: chr1-169559260-T-C. GRCh37 (hg19) VCF-style: chr1-169528498-T-C.
Other names: short protein forms D208G.
Identifiers: ClinVar variation 3623823 (VCV003623823.1).

ClinVar aggregate classification (germline): Uncertain significance (1 of 4 stars; one submission).

Conditions:
Congenital factor V deficiency. Also called: LABILE FACTOR DEFICIENCY; OWREN PARAHEMOPHILIA; PARAHEMOPHILIA; Hereditary factor V deficiency disease. Identifiers: Orphanet 326, MedGen C0015499, MONDO:0009210, OMIM 227400.

gnomAD v4.1: 6 of 1,613,850 alleles (0.00037%); highest among the groups gnomAD compares: Middle Eastern, 0.016%; no homozygotes.

Submission:

Labcorp Genetics (formerly Invitae), Labcorp
Classification: Uncertain significance for Congenital factor V deficiency. Last evaluated: 2024-09-22. Review status: criteria provided, single submitter. Criteria: Invitae Variant Classification Sherloc (09022015). Collection method: clinical testing. Allele origin: germline.
Comment: This sequence change replaces aspartic acid, which is acidic and polar, with glycine, which is neutral and non-polar, at codon 208 of the F5 protein (p.Asp208Gly). This variant is not present in population databases (gnomAD no frequency). This variant has not been reported in the literature in individuals affected with F5-related conditions. Invitae Evidence Modeling of protein sequence and biophysical properties (such as structural, functional, and spatial information, amino acid conservation, physicochemical variation, residue mobility, and thermodynamic stability) indicates that this missense variant is not expected to disrupt F5 protein function with a negative predictive value of 95%. In summary, the available evidence is currently insufficient to determine the role of this variant in disease. Therefore, it has been classified as a Variant of Uncertain Significance.